The following is an entry in ClinVar:

NM_020779.4(WDR35):c.2264G>C (p.Arg755Thr)

Gene: WDR35 (WD repeat domain 35; minus strand). Cytogenetic location: 2p24.1.
Variant type: single nucleotide variant.
Coding change: c.2264G>C on transcript NM_020779.4 (MANE Select); coding-DNA position 2264, G replaced by C.
Protein change: p.Arg755Thr; replaces arginine 755 with threonine.
Molecular consequence: missense variant.
Genome position (GRCh38, 1-based): chr2:19,937,746, C>G on the plus strand (G>C on the coding strand, the complement: WDR35 is on the minus strand). VCF-style: chr2-19937746-C-G. GRCh37 (hg19) VCF-style: chr2-20137507-C-G.
Other names: c.2297G>C, p.Arg766Thr (NM_001006657.2); c.2297G>C (NM_001006657.1); short protein forms R755T, R766T.
Identifiers: ClinVar variation 2140692 (VCV002140692.6), dbSNP rs151208675, ClinGen allele CA1543007.

ClinVar aggregate classification (germline): Uncertain significance. Review status: criteria provided, multiple submitters, no conflicts (2 of 4 stars). 3 submissions from 3 submitters: Uncertain significance (3). Last evaluated 2025-04-09.

Conditions:
Cranioectodermal dysplasia 2 (CED2). Identifiers: Orphanet 1515, MedGen C3150874, MONDO:0013323, OMIM 613610.
Inborn genetic diseases. Identifiers: MedGen C0950123, MeSH D030342.
Short-rib thoracic dysplasia 7 with or without polydactyly (SRTD7). Also called: Short rib polydactyly syndrome 5; SHORT-RIB THORACIC DYSPLASIA 7 WITH POLYDACTYLY. Identifiers: Orphanet 498497, Orphanet 93271, MedGen C3279792, MONDO:0013569, OMIM 614091.

Allele frequency attached by ClinVar (database versions not stated): gnomAD exomes 0.00001; ExAC 0.00002; TOPMed 0.00006; gnomAD 0.00008; ESP Exome Variant Server 0.00015.
gnomAD v4.1: 16 of 1,614,018 alleles (0.00099%); highest among the groups gnomAD compares: African/African-American, 0.021%; no homozygotes.

Submissions (3):

Ambry Genetics
Classification: Uncertain significance for Inborn genetic diseases. Last evaluated: 2025-04-09. Review status: criteria provided, single submitter. Criteria: Ambry Variant Classification Scheme 2023. Collection method: clinical testing. Allele origin: germline.

Baylor Genetics
Classification: Uncertain significance for Cranioectodermal dysplasia 2. Last evaluated: 2022-12-15. Review status: criteria provided, single submitter. Criteria: ACMG Guidelines, 2015. Collection method: clinical testing. Allele origin: unknown.

Labcorp Genetics (formerly Invitae), Labcorp
Classification: Uncertain significance for Cranioectodermal dysplasia 2; Short-rib thoracic dysplasia 7 with or without polydactyly. Last evaluated: 2022-10-18. Review status: criteria provided, single submitter. Criteria: Invitae Variant Classification Sherloc (09022015). Collection method: clinical testing. Allele origin: germline.
Comment: Advanced modeling of protein sequence and biophysical properties (such as structural, functional, and spatial information, amino acid conservation, physicochemical variation, residue mobility, and thermodynamic stability) performed at Invitae indicates that this missense variant is expected to disrupt WDR35 protein function. In summary, the available evidence is currently insufficient to determine the role of this variant in disease. Therefore, it has been classified as a Variant of Uncertain Significance. This sequence change replaces arginine, which is basic and polar, with threonine, which is neutral and polar, at codon 766 of the WDR35 protein (p.Arg766Thr). This variant is present in population databases (rs151208675, gnomAD 0.02%). This variant has not been reported in the literature in individuals affected with WDR35-related conditions.